The following is an entry in ClinVar:

ClinVar aggregate classification (germline): Uncertain significance (1 of 4 stars; one submission).

Allele frequency attached by ClinVar (database versions not stated): gnomAD exomes below 0.00001.
gnomAD v4.1: 2 of 1,593,742 alleles (0.00013%); highest among the groups gnomAD compares: South Asian, 0.0011%; no homozygotes.

Submission:

Labcorp Genetics (formerly Invitae), Labcorp
Classification: Uncertain significance. Last evaluated: 2024-02-24. Review status: criteria provided, single submitter. Criteria: Invitae Variant Classification Sherloc (09022015). Collection method: clinical testing. Allele origin: germline.
Comment: This sequence change replaces valine, which is neutral and non-polar, with isoleucine, which is neutral and non-polar, at codon 576 of the BCL11B protein (p.Val576Ile). This variant is not present in population databases (gnomAD no frequency). This variant has not been reported in the literature in individuals affected with BCL11B-related conditions. ClinVar contains an entry for this variant (Variation ID: 1361546). An algorithm developed to predict the effect of missense changes on protein structure and function (PolyPhen-2) suggests that this variant is likely to be tolerated. In summary, the available evidence is currently insufficient to determine the role of this variant in disease. Therefore, it has been classified as a Variant of Uncertain Significance.

NM_138576.4(BCL11B):c.1726G>A (p.Val576Ile)

Gene: BCL11B (BCL11 transcription factor B; minus strand). Cytogenetic location: 14q32.2.
Variant type: single nucleotide variant.
Coding change: c.1726G>A on transcript NM_138576.4 (MANE Select); coding-DNA position 1726, G replaced by A.
Protein change: p.Val576Ile; replaces valine 576 with isoleucine.
Molecular consequence: missense variant.
Genome position (GRCh38, 1-based): chr14:99,175,110, C>T on the plus strand (G>A on the coding strand, the complement: BCL11B is on the minus strand). VCF-style: chr14-99175110-C-T. GRCh37 (hg19) VCF-style: chr14-99641447-C-T.
Other names: c.1723G>A, p.Val575Ile (NM_001282237.2); c.1510G>A, p.Val504Ile (NM_001282238.2); c.1513G>A, p.Val505Ile (NM_022898.3); short protein forms V504I, V576I, V505I, V575I.
Identifiers: ClinVar variation 1361546 (VCV001361546.8), dbSNP rs1886450064, ClinGen allele CA390934732.